The following is an entry in ClinVar:

NM_000487.6(ARSA):c.558C>A (p.Asn186Lys)

Gene: ARSA (arylsulfatase A; minus strand). Cytogenetic location: 22q13.33.
Variant type: single nucleotide variant.
Coding change: c.558C>A on transcript NM_000487.6 (MANE Select); coding-DNA position 558, C replaced by A.
Protein change: p.Asn186Lys; replaces asparagine 186 with lysine.
Molecular consequence: missense variant.
Genome position (GRCh38, 1-based): chr22:50,626,960, G>T on the plus strand (C>A on the coding strand, the complement: ARSA is on the minus strand). VCF-style: chr22-50626960-G-T. GRCh37 (hg19) VCF-style: chr22-51065388-G-T.
Other names: c.558C>A, p.Asn186Lys (NM_001085425.3, NM_001085426.3, NM_001085427.3); c.300C>A, p.Asn100Lys (NM_001085428.3, NM_001362782.2); short protein forms N100K, N186K.
Identifiers: ClinVar variation 2080901 (VCV002080901.4), dbSNP rs574416131, ClinGen allele CA412177546.
Genomic context (GRCh38, chr22:50,626,960, plus strand): 5'-GAAAGCCATGTAGCGGGCCTCTAGTCCGGGCAGCCAGGGGGGCTGCGCCTCCACGGACAG[G>T]TTGGCCAACAGTGGGATGGGGACCAGGCCCTGGTCACAGCCACCGTCGCAAGGAGTGGCC-3'
Protein context (NP_000478.3, residues 176-196): QGLVPIPLLA[Asn186Lys]LSVEAQPPWL

ClinVar aggregate classification (germline): Uncertain significance (1 of 4 stars; one submission).

Conditions:
Metachromatic leukodystrophy (MLD). Also called: SULFATIDE LIPIDOSIS; Cerebral sclerosis diffuse metachromatic form; ARSA DEFICIENCY; CEREBROSIDE SULFATASE DEFICIENCY; Arylsulfatase A Deficiency; METACHROMATIC LEUKOENCEPHALOPATHY. Identifiers: Orphanet 512, MedGen C0023522, MONDO:0018868, OMIM 250100.

Submission:

Labcorp Genetics (formerly Invitae), Labcorp
Classification: Uncertain significance for Metachromatic leukodystrophy. Last evaluated: 2022-01-12. Review status: criteria provided, single submitter. Criteria: Invitae Variant Classification Sherloc (09022015). Collection method: clinical testing. Allele origin: germline.
Comment: In summary, the available evidence is currently insufficient to determine the role of this variant in disease. Therefore, it has been classified as a Variant of Uncertain Significance. Advanced modeling of protein sequence and biophysical properties (such as structural, functional, and spatial information, amino acid conservation, physicochemical variation, residue mobility, and thermodynamic stability) performed at Invitae indicates that this missense variant is expected to disrupt ARSA protein function. This variant has not been reported in the literature in individuals affected with ARSA-related conditions. This variant is not present in population databases (gnomAD no frequency). This sequence change replaces asparagine, which is neutral and polar, with lysine, which is basic and polar, at codon 186 of the ARSA protein (p.Asn186Lys).